The following is an entry in ClinVar:

ClinVar aggregate classification (germline): Uncertain significance (1 of 4 stars; one submission).

Submission:

GeneDx
Classification: Uncertain significance. Last evaluated: 2019-05-02. Review status: criteria provided, single submitter. Criteria: GeneDx Variant Classification Process June 2021. Collection method: clinical testing. Allele origin: germline. Affected: yes.
Comment: Has not been previously published as pathogenic or benign to our knowledge; Not observed at a significant frequency in large population cohorts (Lek et al., 2016); In silico analysis, which includes protein predictors and evolutionary conservation, supports that this variant does not alter protein structure/function

NM_017636.4(TRPM4):c.2614C>G (p.Leu872Val)

Gene: TRPM4 (transient receptor potential cation channel subfamily M member 4; plus strand). Cytogenetic location: 19q13.33.
Variant type: single nucleotide variant.
Coding change: c.2614C>G on transcript NM_017636.4 (MANE Select); coding-DNA position 2614, C replaced by G.
Protein change: p.Leu872Val; replaces leucine 872 with valine.
Molecular consequence: missense variant. On other transcripts: intron variant (1).
Genome position (GRCh38, 1-based): chr19:49,196,843, C>G. VCF-style: chr19-49196843-C-G. GRCh37 (hg19) VCF-style: chr19-49700100-C-G.
Other names: c.2269C>G, p.Leu757Val (NM_001321281.2); c.1006C>G, p.Leu336Val (NM_001321282.2); c.2092C>G, p.Leu698Val (NM_001321283.2); c.1552C>G, p.Leu518Val (NM_001321285.2); c.2211-3457C>G (NM_001195227.2); short protein forms L336V, L518V, L698V, L757V, L872V.
Identifiers: ClinVar variation 1315748 (VCV001315748.2), dbSNP rs780687748, ClinGen allele CA9569589.